The following is an entry in ClinVar:

ClinVar aggregate classification (germline): Uncertain significance (1 of 4 stars; one submission).

Conditions:
Hereditary cancer-predisposing syndrome. Also called: Hereditary Cancer Syndrome; Hereditary neoplastic syndrome; Neoplastic Syndromes, Hereditary; Tumor predisposition. Identifiers: Orphanet 140162, MedGen C0027672, MeSH D009386, MONDO:0015356.

Submission:

Ambry Genetics
Classification: Uncertain significance for Hereditary cancer-predisposing syndrome. Last evaluated: 2025-07-28. Review status: criteria provided, single submitter. Criteria: Ambry Variant Classification Scheme 2023. Collection method: clinical testing. Allele origin: germline.
Comment: The p.M48I variant (also known as c.144G>C), located in coding exon 1 of the FANCC gene, results from a G to C substitution at nucleotide position 144. The methionine at codon 48 is replaced by isoleucine, an amino acid with highly similar properties. This amino acid position is conserved. In addition, this alteration is predicted to be tolerated by in silico analysis. Based on the available evidence, the clinical significance of this variant remains unclear.

NM_000136.3(FANCC):c.144G>C (p.Met48Ile)

Gene: FANCC (FA complementation group C; minus strand). Cytogenetic location: 9q22.32.
Variant type: single nucleotide variant.
Coding change: c.144G>C on transcript NM_000136.3 (MANE Select); coding-DNA position 144, G replaced by C.
Protein change: p.Met48Ile; replaces methionine 48 with isoleucine.
Molecular consequence: missense variant.
Genome position (GRCh38, 1-based): chr9:95,249,148, C>G on the plus strand (G>C on the coding strand, the complement: FANCC is on the minus strand). VCF-style: chr9-95249148-C-G. GRCh37 (hg19) VCF-style: chr9-98011430-C-G.
Other names: c.144G>C, p.Met48Ile (NM_001243743.2, NM_001243744.2); short protein forms M48I.
Identifiers: ClinVar variation 4254385 (VCV004254385.1).